The following is an entry in ClinVar:

ClinVar aggregate classification (germline): Likely benign. Review status: criteria provided, multiple submitters, no conflicts (2 of 4 stars). 2 submissions from 2 submitters: Likely benign (2). Last evaluated 2026-02-01.

Conditions:
Spondylocostal dysostosis 3, autosomal recessive (SCDO3). Also called: LFNG-Related Spondylocostal Dysostosis, Autosomal Recessive. Identifiers: Orphanet 2311, MedGen C1853296, MONDO:0012349, OMIM 609813.

Allele frequency attached by ClinVar (database versions not stated): ExAC 0.00002; gnomAD 0.00003; gnomAD exomes 0.00003; TOPMed 0.00003.
gnomAD v4.1: 42 of 1,612,848 alleles (0.0026%); highest among the groups gnomAD compares: Non-Finnish European, 0.0033%; no homozygotes.

Submissions (2):

CeGaT Center for Human Genetics Tuebingen
Classification: Likely benign. Last evaluated: 2026-02-01. Review status: criteria provided, single submitter. Criteria: CeGaT Center For Human Genetics Tuebingen Variant Classification Criteria Version 2. Collection method: clinical testing. Allele origin: germline. Affected: yes. Observed: 1 variant allele.
Comment: LFNG: BP4, BP7

Labcorp Genetics (formerly Invitae), Labcorp
Classification: Likely benign for Spondylocostal dysostosis 3, autosomal recessive. Last evaluated: 2023-03-16. Review status: criteria provided, single submitter. Criteria: Invitae Variant Classification Sherloc (09022015). Collection method: clinical testing. Allele origin: germline.

NM_001040167.2(LFNG):c.1101C>T (p.Tyr367=)

Gene: LFNG (LFNG O-fucosylpeptide 3-beta-N-acetylglucosaminyltransferase; plus strand). Cytogenetic location: 7p22.3.
Variant type: single nucleotide variant.
Coding change: c.1101C>T on transcript NM_001040167.2 (MANE Select); coding-DNA position 1101, C replaced by T.
Protein change: p.Tyr367=; no amino-acid change (tyrosine 367 retained).
Molecular consequence: synonymous variant. On other transcripts: intron variant (1).
Genome position (GRCh38, 1-based): chr7:2,527,173, C>T. VCF-style: chr7-2527173-C-T. GRCh37 (hg19) VCF-style: chr7-2566807-C-T.
Other names: c.888C>T, p.Tyr296= (NM_001166355.2); c.714C>T, p.Tyr238= (NM_002304.3); c.1073+252C>T (NM_001040168.2).
Identifiers: ClinVar variation 2920459 (VCV002920459.7), dbSNP rs754919682, ClinGen allele CA4127320.